The following is an entry in ClinVar:

NM_020937.4(FANCM):c.5228C>A (p.Ser1743Tyr)

Gene: FANCM (FA complementation group M; plus strand). Cytogenetic location: 14q21.2.
Variant type: single nucleotide variant.
Coding change: c.5228C>A on transcript NM_020937.4 (MANE Select); coding-DNA position 5228, C replaced by A.
Protein change: p.Ser1743Tyr; replaces serine 1743 with tyrosine.
Molecular consequence: missense variant.
Genome position (GRCh38, 1-based): chr14:45,189,250, C>A. VCF-style: chr14-45189250-C-A. GRCh37 (hg19) VCF-style: chr14-45658453-C-A.
Other names: c.5150C>A, p.Ser1717Tyr (NM_001308133.2); short protein forms S1717Y, S1743Y.
Identifiers: ClinVar variation 954324 (VCV000954324.11), dbSNP rs768392812, ClinGen allele CA7169936.

ClinVar aggregate classification (germline): Uncertain significance. Review status: criteria provided, multiple submitters, no conflicts (2 of 4 stars). 3 submissions from 3 submitters: Uncertain significance (3). Last evaluated 2025-03-10.

Conditions:
Spermatogenic failure 28. Identifiers: MedGen C4748117, MONDO:0054732, OMIM 618086.
Premature ovarian failure 15. Identifiers: MedGen C4748170, MONDO:0054862, OMIM 618096.
Fanconi anemia (FA). Also called: Fanconi's anemia. Identifiers: Orphanet 84, MedGen C0015625, MeSH D005199, MONDO:0019391.

Allele frequency attached by ClinVar (database versions not stated): gnomAD exomes below 0.00001 and 0.00001; ExAC 0.00001; gnomAD 0.00001; TOPMed 0.00001.
gnomAD v4.1: 5 of 1,613,800 alleles (0.00031%); highest among the groups gnomAD compares: Admixed American, 0.005%; no homozygotes.

Submissions (3):

Labcorp Genetics (formerly Invitae), Labcorp
Classification: Uncertain significance for Fanconi anemia. Last evaluated: 2025-03-10. Review status: criteria provided, single submitter. Criteria: Invitae Variant Classification Sherloc (09022015). Collection method: clinical testing. Allele origin: germline.
Comment: This sequence change replaces serine, which is neutral and polar, with tyrosine, which is neutral and polar, at codon 1743 of the FANCM protein (p.Ser1743Tyr). This variant is present in population databases (rs768392812, gnomAD 0.006%). This variant has not been reported in the literature in individuals affected with FANCM-related conditions. ClinVar contains an entry for this variant (Variation ID: 954324). An algorithm developed to predict the effect of missense changes on protein structure and function (PolyPhen-2) suggests that this variant is likely to be disruptive. In summary, the available evidence is currently insufficient to determine the role of this variant in disease. Therefore, it has been classified as a Variant of Uncertain Significance.

GeneDx
Classification: Uncertain significance. Last evaluated: 2023-06-26. Review status: criteria provided, single submitter. Criteria: GeneDx Variant Classification Process June 2021. Collection method: clinical testing. Allele origin: germline. Affected: yes.
Comment: Not observed at significant frequency in large population cohorts (gnomAD); In silico analysis supports that this missense variant has a deleterious effect on protein structure/function; Has not been previously published as pathogenic or benign to our knowledge

Fulgent Genetics
Classification: Uncertain significance for Spermatogenic failure 28; Premature ovarian failure 15. Last evaluated: 2022-05-16. Review status: criteria provided, single submitter. Criteria: ACMG Guidelines, 2015. Collection method: clinical testing. Allele origin: unknown.